The following is an entry in ClinVar:

NM_001103.4(ACTN2):c.2301+28A>G

Gene: ACTN2 (actinin alpha 2; plus strand). Cytogenetic location: 1q43.
Variant type: single nucleotide variant.
Coding change: c.2301+28A>G on transcript NM_001103.4 (MANE Select); 28 bases into the intron after coding-DNA position 2301, A replaced by G.
Molecular consequence: intron variant.
Genome position (GRCh38, 1-based): chr1:236,757,660, A>G. VCF-style: chr1-236757660-A-G. GRCh37 (hg19) VCF-style: chr1-236920960-A-G.
Other names: c.1677+28A>G (NM_001278344.2); c.2301+28A>G (NM_001278343.2).
Identifiers: ClinVar variation 671350 (VCV000671350.2), dbSNP rs114906297, ClinGen allele CA1473394.

ClinVar aggregate classification (germline): Benign. Review status: criteria provided, multiple submitters, no conflicts (2 of 4 stars). 2 submissions from 2 submitters: Benign (2). Last evaluated 2018-06-19.

Allele frequency attached by ClinVar (database versions not stated): gnomAD exomes 0.00546; ExAC 0.00671; gnomAD 0.02005 and 0.02171; 1000 Genomes Project 0.02157; 1000 Genomes Project 30x 0.02186; TOPMed 0.02240; ESP Exome Variant Server 0.02460.
gnomAD v4.1: 6,494 of 1,613,694 alleles (0.4%); highest among the groups gnomAD compares: African/African-American, 7%; 196 homozygotes.

Submissions (2):

GeneDx
Classification: Benign. Last evaluated: 2018-06-19. Review status: criteria provided, single submitter. Criteria: GeneDx Variant Classification (06012015). Collection method: clinical testing. Allele origin: germline. Affected: yes.
Comment: This variant is considered likely benign or benign based on one or more of the following criteria: it is a conservative change, it occurs at a poorly conserved position in the protein, it is predicted to be benign by multiple in silico algorithms, and/or has population frequency not consistent with disease.

Breakthrough Genomics
Classification: Benign. Review status: criteria provided, single submitter. Criteria: ACMG Guidelines, 2015. Collection method: not provided. Allele origin: germline. Inheritance: Autosomal dominant inheritance. Affected: yes.